The following is an entry in ClinVar:

NM_000390.4(CHM):c.676A>T (p.Arg226Ter)

Gene: CHM (CHM Rab escort protein; minus strand). Cytogenetic location: Xq21.2.
Variant type: single nucleotide variant.
Coding change: c.676A>T on transcript NM_000390.4 (MANE Select); coding-DNA position 676, A replaced by T.
Protein change: p.Arg226Ter; replaces arginine 226 with a stop codon.
Molecular consequence: nonsense.
Genome position (GRCh38, 1-based): chrX:85,963,691, T>A on the plus strand (A>T on the coding strand, the complement: CHM is on the minus strand). VCF-style: chrX-85963691-T-A. GRCh37 (hg19) VCF-style: chrX-85218696-T-A.
Other names: c.232A>T, p.Arg78Ter (NM_001320959.1, NM_001362517.1, NM_001362518.2 and 1 more transcripts); short protein forms R226*, R78*.
Identifiers: ClinVar variation 4730948 (VCV004730948.1).
Genomic context (GRCh38, chrX:85,963,691, plus strand): 5'-TTTCAATGCAAAGATGGGTAAAATTAGTACTTACCTTTGATACTAAATCAATATTAAATC[T>A]CCTGCCTTCTTTAATAATTTGTGAGTAAGTAATTCTGTTTTTCTTTGGTTGCTCTGTGGT-3'

ClinVar aggregate classification (germline): Pathogenic (1 of 4 stars; one submission).

Submission:

Labcorp Genetics (formerly Invitae), Labcorp
Classification: Pathogenic. Last evaluated: 2025-11-11. Review status: criteria provided, single submitter. Criteria: Invitae Variant Classification Sherloc (09022015). Collection method: clinical testing. Allele origin: germline.
Comment: This sequence change creates a premature translational stop signal (p.Arg226*) in the CHM gene. It is expected to result in an absent or disrupted protein product. Loss-of-function variants in CHM are known to be pathogenic (PMID: 9067750, 23811034). This variant is not present in population databases (gnomAD no frequency). This variant has not been reported in the literature in individuals affected with CHM-related conditions. For these reasons, this variant has been classified as Pathogenic.

Literature cited by the submitters: PubMed 9067750; PubMed 23811034.